The following is an entry in ClinVar:

NM_016284.5(CNOT1):c.530C>G (p.Ala177Gly)

Gene: CNOT1 (CCR4-NOT transcription complex subunit 1; minus strand). Cytogenetic location: 16q21.
Variant type: single nucleotide variant.
Coding change: c.530C>G on transcript NM_016284.5 (MANE Select); coding-DNA position 530, C replaced by G.
Protein change: p.Ala177Gly; replaces alanine 177 with glycine.
Molecular consequence: missense variant. On other transcripts: non-coding transcript variant (1).
Genome position (GRCh38, 1-based): chr16:58,586,652, G>C on the plus strand (C>G on the coding strand, the complement: CNOT1 is on the minus strand). VCF-style: chr16-58586652-G-C. GRCh37 (hg19) VCF-style: chr16-58620556-G-C.
Other names: c.530C>G, p.Ala177Gly (NM_001265612.2, NM_206999.3); short protein forms A177G.
Identifiers: ClinVar variation 3901439 (VCV003901439.1).

ClinVar aggregate classification (germline): Uncertain significance (1 of 4 stars; one submission).

Submission:

GeneDx
Classification: Uncertain significance. Last evaluated: 2024-12-06. Review status: criteria provided, single submitter. Criteria: GeneDx Variant Classification Process June 2021. Collection method: clinical testing. Allele origin: germline. Affected: yes.
Comment: Not observed at significant frequency in large population cohorts (gnomAD); In silico analysis indicates that this missense variant does not alter protein structure/function; Has not been previously published as pathogenic or benign to our knowledge